The following is an entry in ClinVar:

NM_031471.6(FERMT3):c.1895G>T (p.Gly632Val)

Gene: FERMT3 (FERM domain containing kindlin 3; plus strand). Cytogenetic location: 11q13.1.
Variant type: single nucleotide variant.
Coding change: c.1895G>T on transcript NM_031471.6 (MANE Select); coding-DNA position 1895, G replaced by T.
Protein change: p.Gly632Val; replaces glycine 632 with valine.
Molecular consequence: missense variant.
Genome position (GRCh38, 1-based): chr11:64,223,395, G>T. VCF-style: chr11-64223395-G-T. GRCh37 (hg19) VCF-style: chr11-63990867-G-T.
Other names: c.1895G>T, p.Gly632Val (NM_001382361.1, NM_001382448.1); c.1907G>T, p.Gly636Val (NM_001382362.1, NM_178443.3); c.1355G>T, p.Gly452Val (NM_001382363.1); c.1367G>T, p.Gly456Val (NM_001382364.1); short protein forms G636V, G632V, G452V, G456V.
Identifiers: ClinVar variation 577139 (VCV000577139.10), dbSNP rs1565299599, ClinGen allele CA381090697.

ClinVar aggregate classification (germline): Uncertain significance (1 of 4 stars; one submission).

Conditions:
Leukocyte adhesion deficiency 3. Also called: Leukocyte adhesion deficiency, type III; INTEGRIN ACTIVATION DEFICIENCY DISEASE; LEUKOCYTE ADHESION DEFICIENCY 1 VARIANT. Identifiers: Orphanet 2968, Orphanet 99844, MedGen C2748536, MONDO:0013016, OMIM 612840.

Submission:

Labcorp Genetics (formerly Invitae), Labcorp
Classification: Uncertain significance for Leukocyte adhesion deficiency 3. Last evaluated: 2024-10-22. Review status: criteria provided, single submitter. Criteria: Invitae Variant Classification Sherloc (09022015). Collection method: clinical testing. Allele origin: germline.
Comment: This sequence change replaces glycine, which is neutral and non-polar, with valine, which is neutral and non-polar, at codon 632 of the FERMT3 protein (p.Gly632Val). This variant is not present in population databases (gnomAD no frequency). This variant has not been reported in the literature in individuals affected with FERMT3-related conditions. ClinVar contains an entry for this variant (Variation ID: 577139). Invitae Evidence Modeling of protein sequence and biophysical properties (such as structural, functional, and spatial information, amino acid conservation, physicochemical variation, residue mobility, and thermodynamic stability) indicates that this missense variant is expected to disrupt FERMT3 protein function with a positive predictive value of 80%. In summary, the available evidence is currently insufficient to determine the role of this variant in disease. Therefore, it has been classified as a Variant of Uncertain Significance.